The following is an entry in ClinVar:

ClinVar aggregate classification (germline): Likely benign (1 of 4 stars; one submission).

Submission:

CeGaT Center for Human Genetics Tuebingen
Classification: Likely benign. Last evaluated: 2026-07-01. Review status: criteria provided, single submitter. Criteria: CeGaT Center For Human Genetics Tuebingen Variant Classification Criteria Version 2. Collection method: clinical testing. Allele origin: germline. Affected: yes. Observed: 2 variant alleles.
Comment: IQGAP1: BP4, BP7, BS2

NM_003870.4(IQGAP1):c.4512G>A (p.Val1504=)

Gene: IQGAP1 (IQ motif containing GTPase activating protein 1; plus strand). Cytogenetic location: 15q26.1.
Variant type: single nucleotide variant.
Coding change: c.4512G>A on transcript NM_003870.4 (MANE Select); coding-DNA position 4512, G replaced by A.
Protein change: p.Val1504=; no amino-acid change (valine 1504 retained).
Molecular consequence: synonymous variant.
Genome position (GRCh38, 1-based): chr15:90,492,595, G>A. VCF-style: chr15-90492595-G-A. GRCh37 (hg19) VCF-style: chr15-91035827-G-A.
Identifiers: ClinVar variation 3770560 (VCV003770560.13).